The following is an entry in ClinVar:

NM_004612.4(TGFBR1):c.1298C>T (p.Pro433Leu)

Gene: TGFBR1 (transforming growth factor beta receptor 1; plus strand). Cytogenetic location: 9q22.33.
Variant type: single nucleotide variant.
Coding change: c.1298C>T on transcript NM_004612.4 (MANE Select); coding-DNA position 1298, C replaced by T.
Protein change: p.Pro433Leu; replaces proline 433 with leucine.
Molecular consequence: missense variant. On other transcripts: non-coding transcript variant (4).
Genome position (GRCh38, 1-based): chr9:99,147,696, C>T. VCF-style: chr9-99147696-C-T. GRCh37 (hg19) VCF-style: chr9-101909978-C-T.
Other names: c.1067C>T, p.Pro356Leu (NM_001130916.3, NM_001407435.1); c.1310C>T, p.Pro437Leu (NM_001306210.2); c.1142C>T, p.Pro381Leu (NM_001407416.1); c.1130C>T, p.Pro377Leu (NM_001407417.1); c.1103C>T, p.Pro368Leu (NM_001407418.1, NM_001407419.1, NM_001407420.1 and 1 more transcripts); c.1091C>T, p.Pro364Leu (NM_001407423.1, NM_001407424.1, NM_001407425.1 and 8 more transcripts); c.1052C>T, p.Pro351Leu (NM_001407436.1); c.590C>T, p.Pro197Leu (NM_001407437.1); and 1 more; short protein forms P356L, P274L, P377L, P437L, P351L, P364L, P368L, P433L.
Identifiers: ClinVar variation 2761141 (VCV002761141.3), dbSNP rs2490259334, ClinGen allele CA374233327.

ClinVar aggregate classification (germline): Uncertain significance (1 of 4 stars; one submission).

Conditions:
Familial thoracic aortic aneurysm and aortic dissection (TAAD). Also called: Thoracic aortic aneurysms and dissections. Identifiers: Orphanet 91387, MedGen C4707243, MONDO:0019625.

Submission:

Labcorp Genetics (formerly Invitae), Labcorp
Classification: Uncertain significance for Familial thoracic aortic aneurysm and aortic dissection. Last evaluated: 2023-11-23. Review status: criteria provided, single submitter. Criteria: Invitae Variant Classification Sherloc (09022015). Collection method: clinical testing. Allele origin: germline.
Comment: This sequence change replaces proline, which is neutral and non-polar, with leucine, which is neutral and non-polar, at codon 433 of the TGFBR1 protein (p.Pro433Leu). This variant is not present in population databases (gnomAD no frequency). This variant has not been reported in the literature in individuals affected with TGFBR1-related conditions. Advanced modeling of protein sequence and biophysical properties (such as structural, functional, and spatial information, amino acid conservation, physicochemical variation, residue mobility, and thermodynamic stability) performed at Invitae indicates that this missense variant is not expected to disrupt TGFBR1 protein function with a negative predictive value of 80%. In summary, the available evidence is currently insufficient to determine the role of this variant in disease. Therefore, it has been classified as a Variant of Uncertain Significance.